The following is an entry in ClinVar:

ClinVar aggregate classification (germline): Uncertain significance (1 of 4 stars; one submission).

Conditions:
Ataxia-telangiectasia syndrome (AT). Also called: AT, COMPLEMENTATION GROUP C; Cerebello-oculocutaneous telangiectasia; Immunodeficiency with ataxia telangiectasia; Ataxia-telangiectasia, complementation group D; ATAXIA-TELANGIECTASIA, FRESNO VARIANT; Ataxia-telangiectasia, complementation group E. Identifiers: Orphanet 100, MedGen C0004135, MONDO:0008840, OMIM 208900.

Submission:

Labcorp Genetics (formerly Invitae), Labcorp
Classification: Uncertain significance for Ataxia-telangiectasia syndrome. Last evaluated: 2024-07-01. Review status: criteria provided, single submitter. Criteria: Invitae Variant Classification Sherloc (09022015). Collection method: clinical testing. Allele origin: germline.
Comment: This sequence change replaces glutamic acid, which is acidic and polar, with glutamine, which is neutral and polar, at codon 937 of the ATM protein (p.Glu937Gln). This variant is not present in population databases (gnomAD no frequency). This variant has not been reported in the literature in individuals affected with ATM-related conditions. ClinVar contains an entry for this variant (Variation ID: 569131). An algorithm developed to predict the effect of missense changes on protein structure and function (PolyPhen-2) suggests that this variant is likely to be tolerated. In summary, the available evidence is currently insufficient to determine the role of this variant in disease. Therefore, it has been classified as a Variant of Uncertain Significance.

NM_000051.4(ATM):c.2809G>C (p.Glu937Gln)

Gene: ATM (ATM serine/threonine kinase; plus strand). Cytogenetic location: 11q22.3.
Variant type: single nucleotide variant.
Coding change: c.2809G>C on transcript NM_000051.4 (MANE Select); coding-DNA position 2809, G replaced by C.
Protein change: p.Glu937Gln; replaces glutamic acid 937 with glutamine.
Molecular consequence: missense variant.
Genome position (GRCh38, 1-based): chr11:108,268,580, G>C. VCF-style: chr11-108268580-G-C. GRCh37 (hg19) VCF-style: chr11-108139307-G-C.
Other names: c.2809G>C, p.Glu937Gln (NM_001351834.2); short protein forms E937Q.
Identifiers: ClinVar variation 569131 (VCV000569131.8), dbSNP rs1565420027, ClinGen allele CA382545708.
Genomic context (GRCh38, chr11:108,268,580, plus strand): 5'-TCCTTTAGGGCAGCTGATATTCGGAGGAAATTGTTAATGTTAATTGATTCTAGCACGCTA[G>C]AACCTACCAAATCCCTCCACCTGCATATGGTGAGTTACGTTAAATGAAGAAGCTCTTGGA-3'
Protein context (NP_000042.3, residues 927-947): LLMLIDSSTL[Glu937Gln]PTKSLHLHMY